The following is an entry in ClinVar:

ClinVar aggregate classification (germline): Pathogenic. Review status: criteria provided, multiple submitters, no conflicts (2 of 4 stars). 2 submissions from 2 submitters: Pathogenic (2). Last evaluated 2024-09-08.

Conditions:
Macrocephaly, neurodevelopmental delay, lymphoid hyperplasia, and persistent fetal hemoglobin (MNDLFH). Identifiers: Orphanet 694956, MedGen C5676928, MONDO:0859231, OMIM 619769.

Submissions (2):

GeneDx
Classification: Pathogenic. Last evaluated: 2024-09-08. Review status: criteria provided, single submitter. Criteria: GeneDx Variant Classification Process June 2021. Collection method: clinical testing. Allele origin: germline.
Comment: Not observed at significant frequency in large population cohorts (gnomAD); In silico analysis supports that this missense variant has a deleterious effect on protein structure/function; This variant is associated with the following publications: (PMID: 34515416)

Victorian Clinical Genetics Services, Murdoch Childrens Research Institute
Classification: Pathogenic for Macrocephaly, neurodevelopmental delay, lymphoid hyperplasia, and persistent fetal hemoglobin. Last evaluated: 2023-07-17. Review status: criteria provided, single submitter. Criteria: ACMG Guidelines, 2015. Collection method: clinical testing. Allele origin: germline. Inheritance: Autosomal dominant inheritance. Affected: yes.
Comment: Based on the classification scheme VCGS_Germline_v1.3.4, this variant is classified as Pathogenic. Following criteria are met: 0102 - Loss of function is a known mechanism of disease in this gene and is associated with macrocephaly, neurodevelopmental delay, lymphoid hyperplasia, and persistent fetal haemoglobin (MIM#619769). (I) 0107 - This gene is associated with autosomal dominant disease. (I) 0200 - Variant is predicted to result in a missense amino acid change from aspartic acid to asparagine. (I) 0251 - This variant is heterozygous. (I) 0301 - Variant is absent from gnomAD (both v2 and v3). (SP) 0502 - Missense variant with conflicting in silico predictions and uninformative conservation. (I) 0600 - Variant is located in the annotated Zinc finger domain, C2H2 type (DECIPHER). (I) 0801 - This variant has strong previous evidence of pathogenicity in unrelated individuals. This variant has been reported as de novo in two unrelated individuals. One individual was reported with microcephaly, hypogammaglobulinaemia, beta thalassemia minor and severe ID (PMID: 34515416), and the other individual was reported as having developmental delay (ClinVar, GeneDx personal communication). (SP) Legend: (SP) - Supporting pathogenic, (I) - Information, (SB) - Supporting benign

Literature cited by the submitters: PubMed 34515416 (cited by Victorian Clinical Genetics Services, Murdoch Childrens Research Institute).

NM_015898.4(ZBTB7A):c.1354G>A (p.Asp452Asn)

Gene: ZBTB7A (zinc finger and BTB domain containing 7A; minus strand). Cytogenetic location: 19p13.3.
Variant type: single nucleotide variant.
Coding change: c.1354G>A on transcript NM_015898.4 (MANE Select); coding-DNA position 1354, G replaced by A.
Protein change: p.Asp452Asn; replaces aspartic acid 452 with asparagine.
Molecular consequence: missense variant.
Genome position (GRCh38, 1-based): chr19:4,048,153, C>T on the plus strand (G>A on the coding strand, the complement: ZBTB7A is on the minus strand). VCF-style: chr19-4048153-C-T. GRCh37 (hg19) VCF-style: chr19-4048151-C-T.
Other names: c.1354G>A, p.Asp452Asn (NM_001317990.2); short protein forms D452N.
Identifiers: ClinVar variation 1702679 (VCV001702679.4), dbSNP rs2144973693, ClinGen allele CA403384159.